The following is an entry in ClinVar:

ClinVar aggregate classification (germline): Uncertain significance. Review status: criteria provided, multiple submitters, no conflicts (2 of 4 stars). 2 submissions from 2 submitters: Uncertain significance (2). Last evaluated 2026-06-26.

Conditions:
CREBBP-related disorder. Also called: CREBBP-related condition; CREBBP-related disorders.
Inborn genetic diseases. Identifiers: MedGen C0950123, MeSH D030342.

Submissions (2):

PreventionGenetics, part of Exact Sciences
Classification: Uncertain significance for CREBBP-related condition. Last evaluated: 2026-06-26. Review status: criteria provided, single submitter. Criteria: ACMG Guidelines, 2015. Collection method: clinical testing. Allele origin: germline.
Comment: The CREBBP c.5788C>T variant is predicted to result in the amino acid substitution p.Pro1930Ser. To our knowledge, this variant has not been reported in the literature or in a large population database (gnomAD), indicating this variant is rare. At this time, the clinical significance of this variant is uncertain due to the absence of conclusive functional and genetic evidence.

Ambry Genetics
Classification: Uncertain significance for Inborn genetic diseases. Last evaluated: 2025-07-31. Review status: criteria provided, single submitter. Criteria: Ambry Variant Classification Scheme 2023. Collection method: clinical testing. Allele origin: germline.

NM_004380.3(CREBBP):c.5788C>T (p.Pro1930Ser)

Gene: CREBBP (CREB binding lysine acetyltransferase; minus strand). Cytogenetic location: 16p13.3.
Variant type: single nucleotide variant.
Coding change: c.5788C>T on transcript NM_004380.3 (MANE Select); coding-DNA position 5788, C replaced by T.
Protein change: p.Pro1930Ser; replaces proline 1930 with serine.
Molecular consequence: missense variant.
Genome position (GRCh38, 1-based): chr16:3,729,259, G>A on the plus strand (C>T on the coding strand, the complement: CREBBP is on the minus strand). VCF-style: chr16-3729259-G-A. GRCh37 (hg19) VCF-style: chr16-3779260-G-A.
Other names: c.5674C>T, p.Pro1892Ser (NM_001079846.1); short protein forms P1930S, P1892S.
Identifiers: ClinVar variation 4234039 (VCV004234039.2).